The following is an entry in ClinVar:

ClinVar aggregate classification (germline): Uncertain significance (1 of 4 stars; one submission).

Submission:

Dasa
Classification: Uncertain significance. Last evaluated: 2025-02-26. Review status: criteria provided, single submitter. Criteria: DASA Assertion Criteria. Collection method: clinical testing. Allele origin: germline.
Comment: NM_052903.6(TUBGCP5):c.3069_3070del (p.Ser1024Leufs*36) is a frameshift variant in TUBGCP5 predicted to alter the reading frame and introduce a premature termination codon. This variant is rare in population databases. The currently available literature and clinical evidence are not sufficient to establish a definitive association between this variant and the reported condition. Therefore, this variant is classified as a variant of uncertain significance.

NM_052903.6(TUBGCP5):c.3069_3070del (p.Ser1024fs)

Gene: TUBGCP5 (tubulin gamma complex component 5; minus strand). Cytogenetic location: 15q11.2.
Variant type: Deletion.
Coding change: c.3069_3070del on transcript NM_052903.6 (MANE Select); coding-DNA positions 3069 to 3070, 2 bases deleted (AA; older notation c.3069_3070delAA).
Protein change: p.Ser1024fs; shifts the reading frame from serine 1024.
Molecular consequence: frameshift variant. On other transcripts: intron variant (5).
Genome position (GRCh38, 1-based): chr15:22,999,825-22,999,826, TT deleted on the plus strand (AA on the coding strand, the reverse complement: TUBGCP5 is on the minus strand); deleting any 2 consecutive bases within chr15:22,999,825-22,999,827 gives the same sequence; the c. name uses the placement nearest the transcript's 3' end. VCF-style (leftmost placement, unchanged base first): chr15-22999824-CTT-C. GRCh37 (hg19) VCF-style: chr15-22873240-CAA-C.
Other names: c.3031+743_3031+744del (NM_001354372.2); c.3028+743_3028+744del (NM_001354376.2, NM_001354375.2, NM_001354373.2); c.3072_3073del, p.Ser1025fs (NM_001354377.2); c.2986+743_2986+744del (NM_001354374.2); short protein forms S1024fs, S1025fs.
Identifiers: ClinVar variation 4883982 (VCV004883982.2).